The following is an entry in ClinVar:

ClinVar aggregate classification (germline): Uncertain significance. Review status: criteria provided, multiple submitters, no conflicts (2 of 4 stars). 2 submissions from 2 submitters: Uncertain significance (2). Last evaluated 2026-01-12.

Conditions:
Inborn genetic diseases. Identifiers: MedGen C0950123, MeSH D030342.
Brachyolmia-amelogenesis imperfecta syndrome. Also called: PLATYSPONDYLY WITH AMELOGENESIS IMPERFECTA; Tooth agenesis, selective, 6; Dental anomalies and short stature. Identifiers: Orphanet 2899, MedGen C1832594, MONDO:0011018, OMIM 601216. Disease mechanism: loss of function.

Allele frequency attached by ClinVar (database versions not stated): ExAC 0.00002.
gnomAD v4.1: 8 of 1,602,026 alleles (0.0005%); highest among the groups gnomAD compares: Admixed American, 0.0067%; no homozygotes.

Submissions (2):

Labcorp Genetics (formerly Invitae), Labcorp
Classification: Uncertain significance for Brachyolmia-amelogenesis imperfecta syndrome. Last evaluated: 2026-01-12. Review status: criteria provided, single submitter. Criteria: Invitae Variant Classification Sherloc (09022015). Collection method: clinical testing. Allele origin: germline.
Comment: This sequence change replaces serine, which is neutral and polar, with arginine, which is basic and polar, at codon 752 of the LTBP3 protein (p.Ser752Arg). The frequency data for this variant in the population databases is considered unreliable, as metrics indicate poor data quality at this position in the gnomAD database. This variant has not been reported in the literature in individuals affected with LTBP3-related conditions. ClinVar contains an entry for this variant (Variation ID: 2222584). An algorithm developed to predict the effect of missense changes on protein structure and function (PolyPhen-2) suggests that this variant is likely to be disruptive. In summary, the available evidence is currently insufficient to determine the role of this variant in disease. Therefore, it has been classified as a Variant of Uncertain Significance.

Ambry Genetics
Classification: Uncertain significance for Inborn genetic diseases. Last evaluated: 2025-10-05. Review status: criteria provided, single submitter. Criteria: Ambry Variant Classification Scheme 2023. Collection method: clinical testing. Allele origin: germline.
Comment: The p.S752R variant (also known as c.2256C>A), located in coding exon 16 of the LTBP3 gene, results from a C to A substitution at nucleotide position 2256. The serine at codon 752 is replaced by arginine, an amino acid with dissimilar properties. This amino acid position is conserved. In addition, the in silico prediction for this alteration is inconclusive. Based on the available evidence, the clinical significance of this variant remains unclear.

NM_001130144.3(LTBP3):c.2256C>A (p.Ser752Arg)

Genes: LTBP3 (latent transforming growth factor beta binding protein 3; minus strand), LOC130006029 (ATAC-STARR-seq lymphoblastoid silent region 3532; plus strand). Cytogenetic location: 11q13.1.
Variant type: single nucleotide variant.
Coding change: c.2256C>A on transcript NM_001130144.3 (MANE Select); coding-DNA position 2256, C replaced by A.
Protein change: p.Ser752Arg; replaces serine 752 with arginine.
Molecular consequence: missense variant.
Genome position (GRCh38, 1-based): chr11:65,546,539, G>T on the plus strand (C>A on the coding strand, the complement: LTBP3 is on the minus strand). VCF-style: chr11-65546539-G-T. GRCh37 (hg19) VCF-style: chr11-65314010-G-T.
Other names: c.1905C>A, p.Ser635Arg (NM_001164266.1); c.2256C>A, p.Ser752Arg (NM_021070.4); short protein forms S752R, S635R.
Identifiers: ClinVar variation 2222584 (VCV002222584.5), dbSNP rs761473722, ClinGen allele CA6100667.